The following is an entry in ClinVar:

NM_015335.5(MED13L):c.145G>A (p.Ala49Thr)

Gene: MED13L (mediator complex subunit 13L; minus strand). Cytogenetic location: 12q24.21.
Variant type: single nucleotide variant.
Coding change: c.145G>A on transcript NM_015335.5 (MANE Select); coding-DNA position 145, G replaced by A.
Protein change: p.Ala49Thr; replaces alanine 49 with threonine.
Molecular consequence: missense variant.
Genome position (GRCh38, 1-based): chr12:116,237,633, C>T on the plus strand (G>A on the coding strand, the complement: MED13L is on the minus strand). VCF-style: chr12-116237633-C-T. GRCh37 (hg19) VCF-style: chr12-116675438-C-T.
Other names: short protein forms A49T.
Identifiers: ClinVar variation 2579917 (VCV002579917.1), dbSNP rs2500017127, ClinGen allele CA386927571.
Genomic context (GRCh38, chr12:116,237,633, plus strand): 5'-GCAGGTTAGCTTGCAGACAGCGGATGAAACTTAACAGAATTGGATCATCTTGGGCTGGGG[C>T]TGAAATTATGGGTCCACAGTCCCCATGCCCTCCAAAATTGTACCTACGCCATTTGATTCC-3'
Protein context (NP_056150.1, residues 39-59): GHGDCGPIIS[Ala49Thr]PAQDDPILLS

ClinVar aggregate classification (germline): Uncertain significance (1 of 4 stars; one submission).

Submission:

GeneDx
Classification: Uncertain significance. Last evaluated: 2023-03-17. Review status: criteria provided, single submitter. Criteria: GeneDx Variant Classification Process June 2021. Collection method: clinical testing. Allele origin: germline. Affected: yes.
Comment: Not observed at significant frequency in large population cohorts (gnomAD); In silico analysis supports that this missense variant does not alter protein structure/function; Has not been previously published as pathogenic or benign to our knowledge